The following is an entry in ClinVar:

ClinVar aggregate classification (germline): Uncertain significance (1 of 4 stars; one submission).

Conditions:
Neurofibromatosis, type 1 (NF1). Also called: VON RECKLINGHAUSEN DISEASE; NEUROFIBROMATOSIS, TYPE I, SOMATIC; Peripheral type neurofibromatosis; Neurofibromatosis, type I. Identifiers: Orphanet 636, MedGen C0027831, MONDO:0018975, OMIM 162200. Disease mechanism: loss of function.

gnomAD v4.1: 1 of 1,613,848 alleles (0.000062%); highest among the groups gnomAD compares: Non-Finnish European, 0.000085%; no homozygotes.

Submission:

Labcorp Genetics (formerly Invitae), Labcorp
Classification: Uncertain significance for Neurofibromatosis, type 1. Last evaluated: 2017-10-27. Review status: criteria provided, single submitter. Criteria: Invitae Variant Classification Sherloc (09022015). Collection method: clinical testing. Allele origin: germline.
Comment: In summary, the available evidence is currently insufficient to determine the role of this variant in disease. Therefore, it has been classified as a Variant of Uncertain Significance. Algorithms developed to predict the effect of missense changes on protein structure and function do not agree on the potential impact of this missense change (SIFT: "Deleterious"; PolyPhen-2: "Possibly Damaging"; Align-GVGD: "Class C0"). This variant has not been reported in the literature in individuals with NF1-related disease. This variant is not present in population databases (ExAC no frequency). This sequence change replaces lysine with asparagine at codon 1409 of the NF1 protein (p.Lys1409Asn). The lysine residue is highly conserved and there is a moderate physicochemical difference between lysine and asparagine.

NM_001042492.3(NF1):c.4290G>T (p.Lys1430Asn)

Gene: NF1 (neurofibromin 1; plus strand). Cytogenetic location: 17q11.2.
Variant type: single nucleotide variant.
Coding change: c.4290G>T on transcript NM_001042492.3 (MANE Select); coding-DNA position 4290, G replaced by T.
Protein change: p.Lys1430Asn; replaces lysine 1430 with asparagine.
Molecular consequence: missense variant.
Genome position (GRCh38, 1-based): chr17:31,258,460, G>T. VCF-style: chr17-31258460-G-T. GRCh37 (hg19) VCF-style: chr17-29585478-G-T.
Other names: c.4227G>T, p.Lys1409Asn (NM_000267.4); short protein forms K1409N, K1430N.
Identifiers: ClinVar variation 527425 (VCV000527425.5), dbSNP rs373086572, ClinGen allele CA398998034.